The following is an entry in ClinVar:

ClinVar aggregate classification (germline): Uncertain significance. Review status: criteria provided, multiple submitters, no conflicts (2 of 4 stars). 4 submissions from 4 submitters: Uncertain significance (3). 1 of the submissions does not count toward it. Last evaluated 2025-10-16.

Conditions:
Inborn genetic diseases. Identifiers: MedGen C0950123, MeSH D030342.
Menkes kinky-hair syndrome (MNK). Also called: Menkes Disease; Copper transport disease; Classic Menkes Disease. Identifiers: Orphanet 565, MedGen C0022716, MONDO:0010651, OMIM 309400.
Cutis laxa, X-linked (OHS). Also called: EDS IX; Occipital horn syndrome. Identifiers: Orphanet 198, MedGen C0268353, MONDO:0010572, OMIM 304150.
X-linked distal spinal muscular atrophy type 3. Also called: ATP7A-Related Distal Motor Neuropathy; NEURONOPATHY, DISTAL HEREDITARY MOTOR, X-LINKED; NEUROPATHY, DISTAL HEREDITARY MOTOR, X-LINKED; SPINAL MUSCULAR ATROPHY, DISTAL, X-LINKED RECESSIVE. Identifiers: Orphanet 139557, MedGen C1845359, MONDO:0010338, OMIM 300489.

Submissions (4):

Labcorp Genetics (formerly Invitae), Labcorp
Classification: Uncertain significance for X-linked distal spinal muscular atrophy type 3; Cutis laxa, X-linked; Menkes kinky-hair syndrome. Last evaluated: 2025-10-16. Review status: criteria provided, single submitter. Criteria: Invitae Variant Classification Sherloc (09022015). Collection method: clinical testing. Allele origin: germline.
Comment: This sequence change replaces glycine, which is neutral and non-polar, with serine, which is neutral and polar, at codon 939 of the ATP7A protein (p.Gly939Ser). This variant is not present in population databases (gnomAD no frequency). This variant has not been reported in the literature in individuals affected with ATP7A-related conditions. ClinVar contains an entry for this variant (Variation ID: 574362). Invitae Evidence Modeling of protein sequence and biophysical properties (such as structural, functional, and spatial information, amino acid conservation, physicochemical variation, residue mobility, and thermodynamic stability) indicates that this missense variant is not expected to disrupt ATP7A protein function with a negative predictive value of 95%. In summary, the available evidence is currently insufficient to determine the role of this variant in disease. Therefore, it has been classified as a Variant of Uncertain Significance.

Ambry Genetics
Classification: Uncertain significance for Inborn genetic diseases. Last evaluated: 2025-04-09. Review status: criteria provided, single submitter. Criteria: Ambry Variant Classification Scheme 2023. Collection method: clinical testing. Allele origin: germline.

GeneDx
Classification: Uncertain significance. Last evaluated: 2023-04-06. Review status: criteria provided, single submitter. Criteria: GeneDx Variant Classification Process June 2021. Collection method: clinical testing. Allele origin: germline. Affected: yes.
Comment: Not observed at significant frequency in large population cohorts (gnomAD); In silico analysis supports that this missense variant has a deleterious effect on protein structure/function; Has not been previously published as pathogenic or benign to our knowledge

Natera, Inc.
Classification: Uncertain significance for Distal spinal muscular atrophy, X-linked 3; Cutis laxa, X-linked; Menkes kinky-hair syndrome. Last evaluated: 2020-09-16. Review status: no assertion criteria provided. Collection method: clinical testing. Allele origin: germline. Not counted in ClinVar's aggregate classification.

NM_000052.7(ATP7A):c.2815G>A (p.Gly939Ser)

Gene: ATP7A (ATPase copper transporting alpha; plus strand). Cytogenetic location: Xq21.1.
Variant type: single nucleotide variant.
Coding change: c.2815G>A on transcript NM_000052.7 (MANE Select); coding-DNA position 2815, G replaced by A.
Protein change: p.Gly939Ser; replaces glycine 939 with serine.
Molecular consequence: missense variant.
Genome position (GRCh38, 1-based): chrX:78,020,978, G>A. VCF-style: chrX-78020978-G-A. GRCh37 (hg19) VCF-style: chrX-77276475-G-A.
Other names: c.2815G>A (NM_000052.4); c.2581G>A, p.Gly861Ser (NM_001282224.2); short protein forms G939S, G861S.
Identifiers: ClinVar variation 574362 (VCV000574362.11), dbSNP rs1569550056, ClinGen allele CA413602761.